The following is an entry in ClinVar:

ClinVar aggregate classification (germline): Uncertain significance. Review status: criteria provided, multiple submitters, no conflicts (2 of 4 stars). 2 submissions from 2 submitters: Uncertain significance (2). Last evaluated 2022-08-06.

Conditions:
Hereditary cancer-predisposing syndrome. Also called: Tumor predisposition; Hereditary Cancer Syndrome; Neoplastic Syndromes, Hereditary; Hereditary neoplastic syndrome. Identifiers: Orphanet 140162, MedGen C0027672, MeSH D009386, MONDO:0015356.

Allele frequency attached by ClinVar (database versions not stated): gnomAD exomes below 0.00001.
gnomAD v4.1: 1 of 1,613,546 alleles (0.000062%); highest among the groups gnomAD compares: Non-Finnish European, 0.000085%; no homozygotes.

Submissions (2):

Labcorp Genetics (formerly Invitae), Labcorp
Classification: Uncertain significance. Last evaluated: 2022-08-06. Review status: criteria provided, single submitter. Criteria: Invitae Variant Classification Sherloc (09022015). Collection method: clinical testing. Allele origin: germline.
Comment: In summary, the available evidence is currently insufficient to determine the role of this variant in disease. Therefore, it has been classified as a Variant of Uncertain Significance. Algorithms developed to predict the effect of missense changes on protein structure and function are either unavailable or do not agree on the potential impact of this missense change (SIFT: "Deleterious"; PolyPhen-2: "Probably Damaging"; Align-GVGD: "Class C15"). This variant has not been reported in the literature in individuals affected with MSH3-related conditions. This variant is not present in population databases (gnomAD no frequency). This sequence change replaces cysteine, which is neutral and slightly polar, with tyrosine, which is neutral and polar, at codon 370 of the MSH3 protein (p.Cys370Tyr).

Ambry Genetics
Classification: Uncertain significance for Hereditary cancer-predisposing syndrome. Last evaluated: 2022-07-17. Review status: criteria provided, single submitter. Criteria: Ambry Variant Classification Scheme 2023. Collection method: clinical testing. Allele origin: germline.
Comment: The p.C370Y variant (also known as c.1109G>A), located in coding exon 7 of the MSH3 gene, results from a G to A substitution at nucleotide position 1109. The cysteine at codon 370 is replaced by tyrosine, an amino acid with highly dissimilar properties. This amino acid position is conserved. In addition, this alteration is predicted to be deleterious by in silico analysis. Since supporting evidence is limited at this time, the clinical significance of this alteration remains unclear.

NM_002439.5(MSH3):c.1109G>A (p.Cys370Tyr)

Gene: MSH3 (mutS homolog 3; plus strand). Cytogenetic location: 5q14.1.
Variant type: single nucleotide variant.
Coding change: c.1109G>A on transcript NM_002439.5 (MANE Select); coding-DNA position 1109, G replaced by A.
Protein change: p.Cys370Tyr; replaces cysteine 370 with tyrosine.
Molecular consequence: missense variant.
Genome position (GRCh38, 1-based): chr5:80,675,064, G>A. VCF-style: chr5-80675064-G-A. GRCh37 (hg19) VCF-style: chr5-79970883-G-A.
Other names: short protein forms C370Y.
Identifiers: ClinVar variation 1794559 (VCV001794559.7), dbSNP rs2546724309, ClinGen allele CA360268120.
Genomic context (GRCh38, chr5:80,675,064, plus strand): 5'-TGGATGATGCTGTAAATGTTGATGAGATAATGACTGATACTTCTACCAGCTATCTTCTGT[G>A]CATCTCTGAAAATAAGGAAAATGTTAGGGACAAAAAAAAGGGCAACATTTTTATTGGCAT-3'
Protein context (NP_002430.3, residues 360-380): MTDTSTSYLL[Cys370Tyr]ISENKENVRD